The following is an entry in ClinVar:

ClinVar aggregate classification (germline): Uncertain significance (1 of 4 stars; one submission).

Conditions:
Sifrim-Hitz-Weiss syndrome (SIHIWES). Also called: SIFRIM-HITZ-WEISS MULTIPLE CONGENITAL ANOMALIES-MENTAL RETARDATION SYNDROME; CHD4 Neurodevelopmental Disorder. Identifiers: Orphanet 653712, MedGen C4310688, MONDO:0014946, OMIM 617159.

Submission:

3billion
Classification: Uncertain significance for Sifrim-Hitz-Weiss syndrome. Last evaluated: 2025-11-07. Review status: criteria provided, single submitter. Criteria: ACMG Guidelines, 2015. Collection method: clinical testing. Allele origin: germline. Affected: yes.
Comment: The variant is not observed in the gnomAD v4.1.0 dataset. Predicted Consequence/Location: Missense variant. Missense changes are a common disease-causing mechanism. Therefore, this variant is classified as VUS according to the recommendation of ACMG/AMP guideline.

NM_001273.5(CHD4):c.1066G>A (p.Glu356Lys)

Gene: CHD4 (chromodomain helicase DNA binding protein 4; minus strand). Cytogenetic location: 12p13.31.
Variant type: single nucleotide variant.
Coding change: c.1066G>A on transcript NM_001273.5 (MANE Select); coding-DNA position 1066, G replaced by A.
Protein change: p.Glu356Lys; replaces glutamic acid 356 with lysine.
Molecular consequence: missense variant. On other transcripts: intron variant (1).
Genome position (GRCh38, 1-based): chr12:6,600,393, C>T on the plus strand (G>A on the coding strand, the complement: CHD4 is on the minus strand). VCF-style: chr12-6600393-C-T. GRCh37 (hg19) VCF-style: chr12-6709559-C-T.
Other names: c.1045G>A, p.Glu349Lys (NM_001297553.2); c.1064-37G>A (NM_001363606.2); short protein forms E349K, E356K.
Identifiers: ClinVar variation 4855572 (VCV004855572.1).
Genomic context (GRCh38, chr12:6,600,393, plus strand): 5'-ACACCTCGCAATAGTCCTGGTGGTCTGTCTCATAACCATCCACAGCAGTCACCTCCTCCT[C>T]GCCTGGGCAAGGAAGAGGGAAAGCCCAGTTATTGGAAAAAAACTACCTCCCCCCACCCCC-3'
Protein context (NP_001264.2, residues 346-366): LRTTKKKKKG[Glu356Lys]EEVTAVDGYE